The following is an entry in ClinVar:

NM_002485.5(NBN):c.347G>A (p.Cys116Tyr)

Gene: NBN (nibrin; minus strand). Cytogenetic location: 8q21.3.
Variant type: single nucleotide variant.
Coding change: c.347G>A on transcript NM_002485.5 (MANE Select); coding-DNA position 347, G replaced by A.
Protein change: p.Cys116Tyr; replaces cysteine 116 with tyrosine.
Molecular consequence: missense variant.
Genome position (GRCh38, 1-based): chr8:89,980,867, C>T on the plus strand (G>A on the coding strand, the complement: NBN is on the minus strand). VCF-style: chr8-89980867-C-T. GRCh37 (hg19) VCF-style: chr8-90993095-C-T.
Other names: c.101G>A, p.Cys34Tyr (NM_001024688.3); short protein forms C116Y, C34Y.
Identifiers: ClinVar variation 3222433 (VCV003222433.1), dbSNP rs1415842714, ClinGen allele CA371662113.
Genomic context (GRCh38, chr8:89,980,867, plus strand): 5'-CCAAGTTGCAATATAGCTTGATTTAAAGCAGTTTTCCCAGAGACATCTAAACAAGAAGAG[C>T]ATGCAACCAAAGGCTCATACTCTATTCTGTAAATGAGAATAAGTTAAATAAAGTCATAGT-3'
Protein context (NP_002476.2, residues 106-126): FRIEYEPLVA[Cys116Tyr]SSCLDVSGKT

ClinVar aggregate classification (germline): Uncertain significance (1 of 4 stars; one submission).

Conditions:
Hereditary cancer-predisposing syndrome. Also called: Tumor predisposition; Hereditary neoplastic syndrome; Hereditary Cancer Syndrome; Neoplastic Syndromes, Hereditary. Identifiers: Orphanet 140162, MedGen C0027672, MeSH D009386, MONDO:0015356.

Allele frequency attached by ClinVar (database versions not stated): gnomAD exomes below 0.00001.

Submission:

Ambry Genetics
Classification: Uncertain significance for Hereditary cancer-predisposing syndrome. Last evaluated: 2024-03-13. Review status: criteria provided, single submitter. Criteria: Ambry Variant Classification Scheme 2023. Collection method: clinical testing. Allele origin: germline.
Comment: The p.C116Y variant (also known as c.347G>A), located in coding exon 4 of the NBN gene, results from a G to A substitution at nucleotide position 347. The cysteine at codon 116 is replaced by tyrosine, an amino acid with highly dissimilar properties. This amino acid position is conserved. In addition, this alteration is predicted to be deleterious by in silico analysis. Based on the available evidence, the clinical significance of this alteration remains unclear.